The following is an entry in ClinVar:

NM_205768.3(ZBTB18):c.638A>T (p.His213Leu)

Gene: ZBTB18 (zinc finger and BTB domain containing 18; plus strand). Cytogenetic location: 1q44.
Variant type: single nucleotide variant.
Coding change: c.638A>T on transcript NM_205768.3 (MANE Select); coding-DNA position 638, A replaced by T.
Protein change: p.His213Leu; replaces histidine 213 with leucine.
Molecular consequence: missense variant.
Genome position (GRCh38, 1-based): chr1:244,054,412, A>T. VCF-style: chr1-244054412-A-T. GRCh37 (hg19) VCF-style: chr1-244217714-A-T.
Other names: c.611A>T, p.His204Leu (NM_001278196.2, NM_006352.5); c.638A>T, p.His213Leu (NM_001421566.1); short protein forms H213L, H204L.
Identifiers: ClinVar variation 3633860 (VCV003633860.2).

ClinVar aggregate classification (germline): Uncertain significance (1 of 4 stars; one submission).

gnomAD v4.1: 3 of 1,614,172 alleles (0.00019%); highest among the groups gnomAD compares: African/African-American, 0.004%; no homozygotes.

Submission:

Labcorp Genetics (formerly Invitae), Labcorp
Classification: Uncertain significance. Last evaluated: 2024-06-14. Review status: criteria provided, single submitter. Criteria: Invitae Variant Classification Sherloc (09022015). Collection method: clinical testing. Allele origin: germline.
Comment: This sequence change replaces histidine, which is basic and polar, with leucine, which is neutral and non-polar, at codon 213 of the ZBTB18 protein (p.His213Leu). This variant is present in population databases (rs529044378, gnomAD 0.01%). This variant has not been reported in the literature in individuals affected with ZBTB18-related conditions. Advanced modeling of protein sequence and biophysical properties (such as structural, functional, and spatial information, amino acid conservation, physicochemical variation, residue mobility, and thermodynamic stability) performed at Invitae indicates that this missense variant is not expected to disrupt ZBTB18 protein function with a negative predictive value of 95%. In summary, the available evidence is currently insufficient to determine the role of this variant in disease. Therefore, it has been classified as a Variant of Uncertain Significance.